The following is an entry in ClinVar:

NM_001190274.2(FBXO11):c.2334C>T (p.Ala778=)

Gene: FBXO11 (F-box protein 11; minus strand). Cytogenetic location: 2p16.3.
Variant type: single nucleotide variant.
Coding change: c.2334C>T on transcript NM_001190274.2 (MANE Select); coding-DNA position 2334, C replaced by T.
Protein change: p.Ala778=; no amino-acid change (alanine 778 retained).
Molecular consequence: synonymous variant.
Genome position (GRCh38, 1-based): chr2:47,810,320, G>A on the plus strand (C>T on the coding strand, the complement: FBXO11 is on the minus strand). VCF-style: chr2-47810320-G-A. GRCh37 (hg19) VCF-style: chr2-48037459-G-A.
Other names: c.2082C>T, p.Ala694= (NM_001374325.1, NM_025133.4).
Identifiers: ClinVar variation 1672403 (VCV001672403.32), dbSNP rs753855819, ClinGen allele CA1649553.

ClinVar aggregate classification (germline): Likely benign. Review status: criteria provided, multiple submitters, no conflicts (2 of 4 stars). 2 submissions from 2 submitters: Likely benign (2). Last evaluated 2026-01-22.

Allele frequency attached by ClinVar (database versions not stated): gnomAD 0.00005 and 0.00006; TOPMed 0.00007; ExAC 0.00010.

Submissions (2):

Labcorp Genetics (formerly Invitae), Labcorp
Classification: Likely benign. Last evaluated: 2026-01-22. Review status: criteria provided, single submitter. Criteria: Invitae Variant Classification Sherloc (09022015). Collection method: clinical testing. Allele origin: germline.

CeGaT Center for Human Genetics Tuebingen
Classification: Likely benign. Last evaluated: 2022-06-01. Review status: criteria provided, single submitter. Criteria: CeGaT Center For Human Genetics Tuebingen Variant Classification Criteria Version 2. Collection method: clinical testing. Allele origin: germline. Affected: yes. Observed: 1 variant allele.
Comment: FBXO11: BP4